The following is an entry in ClinVar:

ClinVar aggregate classification (germline): Pathogenic. Review status: criteria provided, multiple submitters, no conflicts (2 of 4 stars). 2 submissions from 2 submitters: Pathogenic (2). Last evaluated 2023-11-29.

Conditions:
Arrhythmogenic cardiomyopathy with wooly hair and keratoderma. Also called: Carvajal syndrome; Arrhythmogenic cardiomyopathy with woolly hair and keratoderma; Dilated cardiomyopathy with woolly hair and keratoderma; PALMOPLANTAR KERATODERMA WITH LEFT VENTRICULAR CARDIOMYOPATHY AND WOOLLY HAIR. Identifiers: Orphanet 65282, MedGen C1854063, MONDO:0011581, OMIM 605676.
Arrhythmogenic right ventricular dysplasia 8 (ARVD8). Also called: Arrhythmogenic Right Ventricular Dysplasia/Cardiomyopathy 8; ARRHYTHMOGENIC RIGHT VENTRICULAR DYSPLASIA, FAMILIAL, 8; ARRHYTHMOGENIC RIGHT VENTRICULAR CARDIOMYOPATHY 8. Identifiers: MedGen C1843896, MONDO:0011831, OMIM 607450.
Cardiovascular phenotype. Identifiers: MedGen CN230736.

Submissions (2):

Ambry Genetics
Classification: Pathogenic for Cardiovascular phenotype. Last evaluated: 2023-11-29. Review status: criteria provided, single submitter. Criteria: Ambry Variant Classification Scheme 2023. Collection method: clinical testing. Allele origin: germline.
Comment: The c.1119delA pathogenic mutation, located in coding exon 9 of the DSP gene, results from a deletion of one nucleotide at nucleotide position 1119, causing a translational frameshift with a predicted alternate stop codon (p.E374Kfs*19). This variant is considered to be rare based on population cohorts in the Genome Aggregation Database (gnomAD). This alteration is expected to result in loss of function by premature protein truncation or nonsense-mediated mRNA decay. Alterations in DSP that result in haploinsufficiency or protein truncation have been reported in patients with arrhythmogenic right ventricular cardiomyopathy (ARVC) and dilated cardiomyopathy (DCM) (Fressart V et al. Europace. 2010;12(6):861-8; Elliott P et al. Circ Cardiovasc Genet. 2010;3(4):314-22; Quarta G et al. Circulation. 2011;123(23):2701-9; Garcia-Pavia P et al. Heart. 2011;97(21):1744-52; Rasmussen TB et al. Clin Genet.2013;84(1):20-30; Pugh TJ et al.Genet Med.2014;16(8):601-8). As such, this alteration is interpreted as a disease-causing mutation.

Labcorp Genetics (formerly Invitae), Labcorp
Classification: Pathogenic for Arrhythmogenic cardiomyopathy with wooly hair and keratoderma; Arrhythmogenic right ventricular dysplasia 8. Last evaluated: 2023-10-18. Review status: criteria provided, single submitter. Criteria: Invitae Variant Classification Sherloc (09022015). Collection method: clinical testing. Allele origin: germline.
Comment: This sequence change creates a premature translational stop signal (p.Glu374Lysfs*19) in the DSP gene. It is expected to result in an absent or disrupted protein product. Loss-of-function variants in DSP are known to be pathogenic (PMID: 20716751, 24503780, 25227139). This variant is not present in population databases (gnomAD no frequency). This variant has not been reported in the literature in individuals affected with DSP-related conditions. ClinVar contains an entry for this variant (Variation ID: 2130528). For these reasons, this variant has been classified as Pathogenic.

Literature cited by the submitters: PubMed 20716751 (cited by Labcorp Genetics (formerly Invitae), Labcorp); PubMed 24503780 (cited by Labcorp Genetics (formerly Invitae), Labcorp); PubMed 25227139 (cited by Labcorp Genetics (formerly Invitae), Labcorp).

NM_004415.4(DSP):c.1119del (p.Glu374fs)

Gene: DSP (desmoplakin; plus strand). Cytogenetic location: 6p24.3.
Variant type: Deletion.
Coding change: c.1119del on transcript NM_004415.4 (MANE Select); coding-DNA position 1119, one base deleted (A; older notation c.1119delA).
Protein change: p.Glu374fs; shifts the reading frame from glutamic acid 374.
Molecular consequence: frameshift variant.
Genome position (GRCh38, 1-based): chr6:7,567,428, A deleted; the last of 3 consecutive A bases (chr6:7,567,426-7,567,428); deleting any one gives the same sequence. VCF-style (leftmost placement, unchanged base first): chr6-7567425-GA-G. GRCh37 (hg19) VCF-style: chr6-7567658-GA-G.
Other names: c.1119del, p.Glu374fs (NM_001008844.3, NM_001319034.2); c.1119delA, p.Glu374Lysfs (NM_001406591.1); short protein forms E374fs.
Identifiers: ClinVar variation 2130528 (VCV002130528.5), dbSNP rs2533880032, ClinGen allele CA2580075367.